The following is an entry in ClinVar:

ClinVar aggregate classification (germline): Likely pathogenic (1 of 4 stars; one submission).

Conditions:
Dilated cardiomyopathy 1G (CMD1G). Identifiers: Orphanet 154, MedGen C1858763, MONDO:0011400, OMIM 604145.
Autosomal recessive limb-girdle muscular dystrophy type 2J (LGMDR10). Also called: Limb-girdle muscular dystrophy, type 2J; MUSCULAR DYSTROPHY, LIMB-GIRDLE, AUTOSOMAL RECESSIVE 10. Identifiers: Orphanet 140922, MedGen C1837342, MONDO:0012127, OMIM 608807.

Submission:

Labcorp Genetics (formerly Invitae), Labcorp
Classification: Likely pathogenic for Dilated cardiomyopathy 1G; Autosomal recessive limb-girdle muscular dystrophy type 2J. Last evaluated: 2024-10-18. Review status: criteria provided, single submitter. Criteria: Invitae Variant Classification Sherloc (09022015). Collection method: clinical testing. Allele origin: germline.
Comment: This variant results in the deletion of part of exon 143 (c.33817_33826+8del) of the TTN gene. It is expected to disrupt RNA splicing and likely results in a truncated or disrupted TTN protein. This variant is not present in population databases (gnomAD no frequency). This variant has not been reported in the literature in individuals affected with TTN-related conditions. ClinVar contains an entry for this variant (Variation ID: 1469521). This variant is located in the I band of TTN (PMID: 25589632). Truncating variants in this region have been reported in individuals affected with autosomal recessive centronuclear myopathy (PMID: 23975875, internal data). Truncating variants in this region have also been identified in individuals affected with autosomal dominant dilated cardiomyopathy and/or cardio-related conditions (PMID: 27869827, 32964742, internal data). In summary, the currently available evidence indicates that the variant is pathogenic, but additional data are needed to prove that conclusively. Therefore, this variant has been classified as Likely Pathogenic.

Literature cited by the submitters: PubMed 25589632; PubMed 23975875; PubMed 27869827; PubMed 32964742.

NM_001267550.2(TTN):c.33817_33826+8del

Gene: TTN (titin; minus strand). Cytogenetic location: 2q31.2.
Variant type: Deletion.
Coding change: c.33817_33826+8del on transcript NM_001267550.2 (MANE Select); coding-DNA position 33817 through 8 bases into the intron after coding-DNA position 33826, 18 bases deleted (CCTGCCAAAGGTACATGA).
Molecular consequence: splice donor variant. On other transcripts: intron variant (3).
Genome position (GRCh38, 1-based): chr2:178,678,739-178,678,756, TCATGTACCTTTGGCAGG deleted on the plus strand (CCTGCCAAAGGTACATGA on the coding strand, the reverse complement: TTN is on the minus strand); deleting any 18 consecutive bases within chr2:178,678,739-178,678,757 gives the same sequence; the c. name uses the placement nearest the transcript's 3' end. VCF-style (leftmost placement, unchanged base first): chr2-178678738-TTCATGTACCTTTGGCAGG-T. GRCh37 (hg19) VCF-style: chr2-179543465-TTCATGTACCTTTGGCAGG-T.
Other names: c.13283-36439_13283-36422del (NM_003319.4); c.13859-36439_13859-36422del (NM_133437.4); c.13658-36439_13658-36422del (NM_133432.3); c.30085_30094+8del (NM_133378.4); c.32866_32875+8del (NM_001256850.1).
Identifiers: ClinVar variation 1469521 (VCV001469521.6), dbSNP rs2154269293, ClinGen allele CA2573133879.